The following is an entry in ClinVar:

NM_001374736.1(DST):c.22318T>A (p.Ser7440Thr)

Gene: DST (dystonin; minus strand). Cytogenetic location: 6p12.1.
Variant type: single nucleotide variant.
Coding change: c.22318T>A on transcript NM_001374736.1 (MANE Select); coding-DNA position 22318, T replaced by A.
Protein change: p.Ser7440Thr; replaces serine 7440 with threonine.
Molecular consequence: missense variant.
Genome position (GRCh38, 1-based): chr6:56,471,109, A>T on the plus strand (T>A on the coding strand, the complement: DST is on the minus strand). VCF-style: chr6-56471109-A-T. GRCh37 (hg19) VCF-style: chr6-56335907-A-T.
Other names: c.15961T>A, p.Ser5321Thr (NM_001144769.5); c.15547T>A, p.Ser5183Thr (NM_001144770.2); c.22318T>A, p.Ser7440Thr (NM_001374722.1); c.21358T>A, p.Ser7120Thr (NM_001374729.1); c.15100T>A, p.Ser5034Thr (NM_001374730.1); c.22345T>A, p.Ser7449Thr (NM_001374734.1); c.15427T>A, p.Ser5143Thr (NM_001386100.1, NM_183380.4); c.14449T>A, p.Ser4817Thr (NM_015548.5); short protein forms S4817T, S5034T, S7120T, S7449T, S5143T, S5183T, S5321T, S7440T.
Identifiers: ClinVar variation 1499345 (VCV001499345.8), dbSNP rs2152396817, ClinGen allele CA364507202.

ClinVar aggregate classification (germline): Uncertain significance (1 of 4 stars; one submission).

Conditions:
Epidermolysis bullosa simplex 3, localized or generalized intermediate, with BP230 deficiency (EBS3). Also called: Epidermolysis bullosa simplex due to BP230 deficiency; Epidermolysis bullosa simplex, autosomal recessive 2. Identifiers: Orphanet 412181, MedGen C3809470, MONDO:0014180, OMIM 615425.
Hereditary sensory and autonomic neuropathy type 6. Also called: Neuropathy, hereditary sensory and autonomic, type VI; HSAN VI. Identifiers: Orphanet 314381, MedGen C3539003, MONDO:0013839, OMIM 614653.

gnomAD v4.1: 3 of 1,611,138 alleles (0.00019%); highest among the groups gnomAD compares: Non-Finnish European, 0.00025%; no homozygotes.

Submission:

Labcorp Genetics (formerly Invitae), Labcorp
Classification: Uncertain significance for Epidermolysis bullosa simplex 3, localized or generalized intermediate, with BP230 deficiency; Hereditary sensory and autonomic neuropathy type 6. Last evaluated: 2022-08-23. Review status: criteria provided, single submitter. Criteria: Invitae Variant Classification Sherloc (09022015). Collection method: clinical testing. Allele origin: germline.
Comment: In summary, the available evidence is currently insufficient to determine the role of this variant in disease. Therefore, it has been classified as a Variant of Uncertain Significance. Experimental studies and prediction algorithms are not available or were not evaluated, and the functional significance of this variant is currently unknown. This variant has not been reported in the literature in individuals affected with DST-related conditions. This variant is not present in population databases (gnomAD no frequency). This sequence change replaces serine, which is neutral and polar, with threonine, which is neutral and polar, at codon 4817 of the DST protein (p.Ser4817Thr). The DST gene has multiple clinically relevant transcripts. This variant occurs in alternate transcript NM_015548.4, and corresponds to NM_001723.5:c.*144408T>A in the primary transcript.